The following is an entry in ClinVar:

ClinVar aggregate classification (germline): Likely pathogenic (1 of 4 stars; one submission).

Submission:

ARUP Laboratories, Molecular Genetics and Genomics, ARUP Laboratories
Classification: Likely pathogenic. Last evaluated: 2023-08-16. Review status: criteria provided, single submitter. Criteria: ARUP Molecular Germline Variant Investigation Process 2024. Collection method: clinical testing. Allele origin: germline.
Comment: The VWF c.1179dup; p.Ser394IlefsTer7 variant, to our knowledge, is not reported in the medical literature or gene specific databases. This variant is also absent from the Genome Aggregation Database, indicating it is not a common polymorphism. This variant causes a frameshift by inserting a single nucleotide, so it is predicted to result in a truncated protein or mRNA subject to nonsense-mediated decay. Based on available information, this variant is considered to be likely pathogenic.

NM_000552.5(VWF):c.1179dup (p.Ser394fs)

Gene: VWF (von Willebrand factor; minus strand). Cytogenetic location: 12p13.31.
Variant type: Duplication.
Coding change: c.1179dup on transcript NM_000552.5 (MANE Select); coding-DNA position 1179, one base duplicated (A; older notation c.1179dupA).
Protein change: p.Ser394fs; shifts the reading frame from serine 394.
Molecular consequence: frameshift variant.
Genome position (GRCh38, 1-based): chr12:6,065,251, T duplicated on the plus strand (A on the coding strand, the reverse complement: VWF is on the minus strand); the first of 2 consecutive T bases (chr12:6,065,251-6,065,252); duplicating either gives the same sequence. VCF-style (leftmost placement, unchanged base first): chr12-6065250-A-AT. GRCh37 (hg19) VCF-style: chr12-6174416-A-AT.
Other names: short protein forms S394fs.
Identifiers: ClinVar variation 2921021 (VCV002921021.1), dbSNP rs2497227417, ClinGen allele CA2739271831.